The following is an entry in ClinVar:

NM_001386298.1(CIC):c.6664C>T (p.Arg2222Trp)

Gene: CIC (capicua transcriptional repressor; plus strand). Cytogenetic location: 19q13.2.
Variant type: single nucleotide variant.
Coding change: c.6664C>T on transcript NM_001386298.1 (MANE Select); coding-DNA position 6664, C replaced by T.
Protein change: p.Arg2222Trp; replaces arginine 2222 with tryptophan.
Molecular consequence: missense variant.
Genome position (GRCh38, 1-based): chr19:42,293,733, C>T. VCF-style: chr19-42293733-C-T. GRCh37 (hg19) VCF-style: chr19-42797885-C-T.
Other names: c.6664C>T, p.Arg2222Trp (NM_001304815.2, NM_001379482.1); c.6661C>T, p.Arg2221Trp (NM_001379480.1); c.3937C>T, p.Arg1313Trp (NM_001379484.1, NM_001379485.1, NM_015125.5); short protein forms R1313W, R2221W, R2222W.
Identifiers: ClinVar variation 917625 (VCV000917625.3), dbSNP rs773220927, ClinGen allele CA9472788.

ClinVar aggregate classification (germline): Uncertain significance (1 of 4 stars; one submission).

Allele frequency attached by ClinVar (database versions not stated): gnomAD exomes 0.00001; gnomAD 0.00002; TOPMed 0.00002; ExAC 0.00003.
gnomAD v4.1: 17 of 1,612,726 alleles (0.0011%); highest among the groups gnomAD compares: African/African-American, 0.004%; no homozygotes.

Submission:

Women's Health and Genetics/Laboratory Corporation of America, LabCorp
Classification: Uncertain significance. Last evaluated: 2024-08-02. Review status: criteria provided, single submitter. Criteria: LabCorp Variant Classification Summary - May 2015. Collection method: clinical testing. Allele origin: germline.
Comment: Variant summary: CIC c.3937C>T (p.Arg1313Trp) results in a non-conservative amino acid change in the encoded protein sequence. Three of five in-silico tools predict a damaging effect of the variant on protein function. The variant allele was found at a frequency of 1.7e-05 in 242334 control chromosomes. The available data on variant occurrences in the general population are insufficient to allow any conclusion about variant significance. To our knowledge, no occurrence of c.3937C>T in individuals affected with Mental Retardation, Autosomal Dominant and no experimental evidence demonstrating its impact on protein function have been reported. ClinVar contains an entry for this variant (Variation ID: 917625). Based on the evidence outlined above, the variant was classified as uncertain significance.